The following is an entry in ClinVar:

ClinVar aggregate classification (germline): Uncertain significance (1 of 4 stars; one submission).

gnomAD v4.1: 143 of 1,613,394 alleles (0.0089%); highest among the groups gnomAD compares: African/African-American, 0.025%; no homozygotes.

Submission:

Labcorp Genetics (formerly Invitae), Labcorp
Classification: Uncertain significance. Last evaluated: 2025-02-16. Review status: criteria provided, single submitter. Criteria: Invitae Variant Classification Sherloc (09022015). Collection method: clinical testing. Allele origin: germline.
Comment: This sequence change falls in intron 4 of the SPTA1 gene. It does not directly change the encoded amino acid sequence of the SPTA1 protein. It affects a nucleotide within the consensus splice site. This variant is present in population databases (rs368078960, gnomAD 0.06%). This variant has not been reported in the literature in individuals affected with SPTA1-related conditions. Variants that disrupt the consensus splice site are a relatively common cause of aberrant splicing (PMID: 17576681, 9536098). Algorithms developed to predict the effect of sequence changes on RNA splicing suggest that this variant is not likely to affect RNA splicing. In summary, the available evidence is currently insufficient to determine the role of this variant in disease. Therefore, it has been classified as a Variant of Uncertain Significance.

Literature cited by the submitters: PubMed 17576681; PubMed 9536098.

NM_003126.4(SPTA1):c.531+6G>A

Gene: SPTA1 (spectrin alpha, erythrocytic 1; minus strand). Cytogenetic location: 1q23.1.
Variant type: single nucleotide variant.
Coding change: c.531+6G>A on transcript NM_003126.4 (MANE Select); 6 bases into the intron after coding-DNA position 531, G replaced by A.
Molecular consequence: intron variant.
Genome position (GRCh38, 1-based): chr1:158,681,521, C>T on the plus strand (G>A on the coding strand, the complement: SPTA1 is on the minus strand). VCF-style: chr1-158681521-C-T. GRCh37 (hg19) VCF-style: chr1-158651311-C-T.
Identifiers: ClinVar variation 4803674 (VCV004803674.1).